The following is an entry in ClinVar:

NM_001848.3(COL6A1):c.717+9C>G

Gene: COL6A1 (collagen type VI alpha 1 chain; plus strand). Cytogenetic location: 21q22.3.
Variant type: single nucleotide variant.
Coding change: c.717+9C>G on transcript NM_001848.3 (MANE Select); 9 bases into the intron after coding-DNA position 717, C replaced by G.
Molecular consequence: intron variant.
Genome position (GRCh38, 1-based): chr21:45,987,081, C>G. VCF-style: chr21-45987081-C-G. GRCh37 (hg19) VCF-style: chr21-47406995-C-G.
Identifiers: ClinVar variation 2862942 (VCV002862942.3), dbSNP rs183868804, ClinGen allele CA321959281.

ClinVar aggregate classification (germline): Uncertain significance (1 of 4 stars; one submission).

Conditions:
Bethlem myopathy 1A. Also called: Bethlem myopathy 1; MYOPATHY, BENIGN CONGENITAL, WITH CONTRACTURES; Bethlem Muscular Dystrophy. Identifiers: Orphanet 610, MedGen CN029274, MONDO:0024530, OMIM 158810.

gnomAD v4.1: 5 of 1,560,470 alleles (0.00032%); highest among the groups gnomAD compares: African/African-American, 0.0068%; no homozygotes.

Submission:

Labcorp Genetics (formerly Invitae), Labcorp
Classification: Uncertain significance for Bethlem myopathy 1A. Last evaluated: 2023-09-04. Review status: criteria provided, single submitter. Criteria: Invitae Variant Classification Sherloc (09022015). Collection method: clinical testing. Allele origin: germline.
Comment: Algorithms developed to predict the effect of sequence changes on RNA splicing suggest that this variant may disrupt the consensus splice site. This variant has not been reported in the literature in individuals affected with COL6A1-related conditions. In summary, the available evidence is currently insufficient to determine the role of this variant in disease. Therefore, it has been classified as a Variant of Uncertain Significance. This variant is present in population databases (no rsID available, gnomAD 0.01%). This sequence change falls in intron 5 of the COL6A1 gene. It does not directly change the encoded amino acid sequence of the COL6A1 protein.